The following is an entry in ClinVar:

ClinVar aggregate classification (germline): Likely benign (1 of 4 stars; one submission).

Allele frequency attached by ClinVar (database versions not stated): ESP Exome Variant Server 0.00015; gnomAD exomes 0.00016; ExAC 0.00017; gnomAD 0.00023; TOPMed 0.00023.
gnomAD v4.1: 267 of 1,613,986 alleles (0.017%); highest among the groups gnomAD compares: Non-Finnish European, 0.021%; no homozygotes.

Submission:

CeGaT Center for Human Genetics Tuebingen
Classification: Likely benign. Last evaluated: 2022-03-01. Review status: criteria provided, single submitter. Criteria: CeGaT Center For Human Genetics Tuebingen Variant Classification Criteria Version 2. Collection method: clinical testing. Allele origin: germline. Affected: yes. Observed: 1 variant allele.
Comment: CLSTN3: BP4, BP7

NM_014718.4(CLSTN3):c.255G>A (p.Ala85=)

Gene: CLSTN3 (calsyntenin 3; plus strand). Cytogenetic location: 12p13.31.
Variant type: single nucleotide variant.
Coding change: c.255G>A on transcript NM_014718.4 (MANE Select); coding-DNA position 255, G replaced by A.
Protein change: p.Ala85=; no amino-acid change (alanine 85 retained).
Molecular consequence: synonymous variant.
Genome position (GRCh38, 1-based): chr12:7,133,640, G>A. VCF-style: chr12-7133640-G-A. GRCh37 (hg19) VCF-style: chr12-7286236-G-A.
Identifiers: ClinVar variation 2642664 (VCV002642664.24), dbSNP rs141936578, ClinGen allele CA6425117.